The following is an entry in ClinVar:

ClinVar aggregate classification (germline): Pathogenic/Likely pathogenic. Review status: criteria provided, multiple submitters, no conflicts (2 of 4 stars). 6 submissions from 6 submitters: Pathogenic (3); Likely pathogenic (2). 1 of the submissions does not count toward it. Last evaluated 2025-10-22.

Conditions:
Leukoencephalopathy with calcifications and cysts. Also called: LABRUNE SYNDROME; Leukoencephalopathy, brain calcifications, and cysts. Identifiers: Orphanet 542310, MedGen C3281200, MONDO:0013803, OMIM 614561.

Allele frequency attached by ClinVar (database versions not stated): gnomAD 0.00004 and 0.00006; TOPMed 0.00006; ExAC 0.00007.
gnomAD v4.1: 66 of 765,396 alleles (0.0086%); highest among the groups gnomAD compares: South Asian, 0.015%; no homozygotes.

Submissions (6):

Labcorp Genetics (formerly Invitae), Labcorp
Classification: Pathogenic. Last evaluated: 2025-10-22. Review status: criteria provided, single submitter. Criteria: Invitae Variant Classification Sherloc (09022015). Collection method: clinical testing. Allele origin: germline.
Comment: This variant occurs in the SNORD118 gene, which encodes an RNA molecule that does not result in a protein product. This variant is present in population databases (rs201558321, gnomAD 0.02%). This variant has been observed in individuals with cerebral microangiopathy leukoencephalopathy with calcifications and cysts (PMID: 27571260, 28177126, 33029936). It has also been observed to segregate with disease in related individuals. ClinVar contains an entry for this variant (Variation ID: 929280). For these reasons, this variant has been classified as Pathogenic.

Institute of Human Genetics, University of Leipzig Medical Center
Classification: Pathogenic for Leukoencephalopathy with calcifications and cysts. Last evaluated: 2025-03-04. Review status: criteria provided, single submitter. Criteria: ACMG Guidelines, 2015. Collection method: clinical testing. Allele origin: unknown. Inheritance: Autosomal recessive inheritance. Affected: yes.
Comment: Criteria applied: PM3_VSTR,PM2,PP1; Identified as compund heterozygous with NR_033294.2:n.*9G>T

Women's Health and Genetics/Laboratory Corporation of America, LabCorp
Classification: Pathogenic for Leukoencephalopathy with calcifications and cysts. Last evaluated: 2024-01-23. Review status: criteria provided, single submitter. Criteria: LabCorp Variant Classification Summary - May 2015. Collection method: clinical testing. Allele origin: germline.
Comment: Variant summary: SNORD118 n.72A>G alters a nucleotide in the non-coding RNA. The variant allele was found at a frequency of 6.9e-05 in 232094 control chromosomes (gnomAD). The available data on variant occurrences in the general population are insufficient to allow any conclusion about variant significance. n.72A>G has been reported in the literature in compound heterozygous individuals affected with Leukoencephalopathy With Calcifications And Cysts (e.g., Jenkinson_2016, Iwama_2017, Shtaya_2019, Crow_2021, Osman_2020). These data indicate that the variant is very likely to be associated with disease. To our knowledge, no experimental evidence demonstrating an impact on protein function has been reported. The following publications have been ascertained in the context of this evaluation (PMID: 33029936, 28177126, 27571260, 30794980, 31521395). ClinVar contains an entry for this variant (Variation ID: 929280). Based on the evidence outlined above, the variant was classified as pathogenic.

Illumina Laboratory Services, Illumina
Classification: Likely pathogenic for Leukoencephalopathy with calcifications and cysts. Last evaluated: 2023-06-27. Review status: criteria provided, single submitter. Criteria: ICSLVariantClassificationCriteria RUGD 01 April 2020. Collection method: clinical testing. Allele origin: unknown.
Comment: The SNORD118 g.8076835T>C variant, also referred to as NR_033294.1 n.72A>G, is a non-protein coding variant that has been reported in trans with a second SNORD118 variant in ten unrelated individuals with a phenotype consistent with leukoencephalopathy with calcifications and cysts (PMID: 27571260; 28177126; 30794980; 31521395; 33029936). It also co-segregated with the phenotype in an affected sibling in one family. This variant is not observed at a significant frequency in version 2.1.1 or version 3.1.2 of the Genome Aggregation Database. This variant is located near the LSm binding site within a hotspot in the transcribed portion of the U8 snoRNA (PMID: 33029936). Based on the available evidence, the SNORD118 g.8076835T>C variant is classified as likely pathogenic for leukoencephalopathy with calcifications and cysts.

CeGaT Center for Human Genetics Tuebingen
Classification: Likely pathogenic. Last evaluated: 2022-03-01. Review status: criteria provided, single submitter. Criteria: CeGaT Center For Human Genetics Tuebingen Variant Classification Criteria Version 2. Collection method: clinical testing. Allele origin: germline. Affected: yes. Observed: 3 variant alleles.

Laboratory of Neurogenetics and Neuroinflammation, Institut Imagine
Classification: Pathogenic for Leukoencephalopathy, brain calcifications, and cysts. Last evaluated: 2020-04-06. Review status: no assertion criteria provided. Collection method: clinical testing. Allele origin: germline. Affected: yes. Observed: 4 variant alleles. Not counted in ClinVar's aggregate classification.

Literature cited by the submitters: PubMed 27571260 (cited by 3 submitters); PubMed 28177126 (cited by 4 submitters); PubMed 33029936 (cited by 3 submitters); PubMed 31521395 (cited by 3 submitters); PubMed 30794980 (cited by Women's Health and Genetics/Laboratory Corporation of America, LabCorp and Illumina Laboratory Services, Illumina).

NR_033294.2(SNORD118):n.72A>G

Genes: SNORD118 (small nucleolar RNA, C/D box 118; minus strand), TMEM107 (transmembrane protein 107; minus strand). Cytogenetic location: 17p13.1.
Variant type: single nucleotide variant.
Molecular consequence: non-coding transcript variant (on NR_033294.2). On other transcripts: 3 prime UTR variant (5).
Genome position: GRCh38 VCF-style: chr17-8173517-T-C. GRCh37 (hg19) VCF-style: chr17-8076835-T-C.
Other names: c.*686A>G (NM_001351278.2, NM_001351279.2, NM_001351280.2 and 2 more transcripts).
Identifiers: ClinVar variation 929280 (VCV000929280.44), dbSNP rs201558321, ClinGen allele CA8370680.
Genomic context (GRCh38, chr17:8,173,517, plus strand): 5'-AGACAGGAGCAATCAGGGTGTTGCAAGTCCTGATTACGCAGAGACGTTAATCACGTTTCA[T>C]GCATCTCCAATCATCATGTTCTAATCTGCCCTCCGGAGGAGGAACAGGTAAGGATTATCC-3'